The following is an entry in ClinVar:

ClinVar aggregate classification (germline): Likely benign (1 of 4 stars; one submission).

Submission:

Mayo Clinic Laboratories, Mayo Clinic
Classification: Likely benign. Last evaluated: 2025-02-14. Review status: criteria provided, single submitter. Criteria: ACMG Guidelines, 2015. Collection method: clinical testing. Allele origin: germline. Observed: 2 variant alleles.
Comment: BP4, BP7

NM_001009944.3(PKD1):c.4833C>G (p.Val1611=)

Gene: PKD1 (polycystin 1, transient receptor potential channel interacting; minus strand). Cytogenetic location: 16p13.3.
Variant type: single nucleotide variant.
Coding change: c.4833C>G on transcript NM_001009944.3 (MANE Select); coding-DNA position 4833, C replaced by G.
Protein change: p.Val1611=; no amino-acid change (valine 1611 retained).
Molecular consequence: synonymous variant.
Genome position (GRCh38, 1-based): chr16:2,110,334, G>C on the plus strand (C>G on the coding strand, the complement: PKD1 is on the minus strand). VCF-style: chr16-2110334-G-C. GRCh37 (hg19) VCF-style: chr16-2160335-G-C.
Other names: p.Val1611=; c.4833C>G, p.Val1611= (NM_000296.4).
Identifiers: ClinVar variation 4684056 (VCV004684056.1).
Genomic context (GRCh38, chr16:2,110,334, plus strand): 5'-GAGCTGCAGGACATAGACGAAGATGCTGTCCTGGGCGGAGCCCACCTCGTTCTCAGCCGT[G>C]ACGATGATATTGAAGGTGCCCACGGAGCGGAAGGTGTAAGAGATGGTAGGACCCCCAGGG-3'
Protein context (NP_001009944.3, residues 1601-1621): FRSVGTFNII[Val1611=]TAENEVGSAQ